The following is an entry in ClinVar:

ClinVar aggregate classification (germline): Uncertain significance (1 of 4 stars; one submission).

Conditions:
Leprosy, susceptibility to, 3. Identifiers: Orphanet 548, MedGen C1968668, MONDO:0009518, OMIM 246300.
Colorectal cancer. Also called: Malignant Colorectal Neoplasm; Colorectal cancer, somatic. Identifiers: MedGen C0346629, MONDO:0005575, OMIM 114500.
Mycobacterium tuberculosis, susceptibility to. Identifiers: MedGen C1834752, OMIM 607948.

Allele frequency attached by ClinVar (database versions not stated): ESP Exome Variant Server 0.00008; gnomAD 0.00010 and 0.00011; TOPMed 0.00036.
gnomAD v4.1: 217 of 1,614,024 alleles (0.013%); highest among the groups gnomAD compares: Admixed American, 0.35%; no homozygotes.

Submission:

Center for Genomics, Ann and Robert H. Lurie Children's Hospital of Chicago
Classification: Uncertain significance for Colorectal cancer; Leprosy, susceptibility to, 3; Mycobacterium tuberculosis, susceptibility to. Review status: criteria provided, single submitter. Criteria: ACMG Guidelines, 2015. Collection method: clinical testing. Allele origin: germline.
Comment: TLR2 NM_003264.4 exon 3 p.Arg447Gln (c.1340G>A): This variant has not been reported in the literature but is present in 0.4% (174/35426) of Latino alleles in the Genome Aggregation Database. This variant amino acid Glutamine (Gln) is present in >20 species including mammals and is not well conserved among evolutionarily distant species; this suggests that this variant may not impact the protein. Additional computational prediction tools do not suggest an impact. In summary, data on this variant suggests that this variant does not cause disease, but requires further evidence. Therefore, the clinical significance of this variant is uncertain.

NM_001318789.2(TLR2):c.1340G>A (p.Arg447Gln)

Gene: TLR2 (toll like receptor 2; plus strand). Cytogenetic location: 4q31.3.
Variant type: single nucleotide variant.
Coding change: c.1340G>A on transcript NM_001318789.2 (MANE Select); coding-DNA position 1340, G replaced by A.
Protein change: p.Arg447Gln; replaces arginine 447 with glutamine.
Molecular consequence: missense variant.
Genome position (GRCh38, 1-based): chr4:153,704,247, G>A. VCF-style: chr4-153704247-G-A. GRCh37 (hg19) VCF-style: chr4-154625399-G-A.
Other names: c.1340G>A, p.Arg447Gln (NM_001318787.2, NM_001318790.2, NM_001318791.2 and 4 more transcripts); short protein forms R447Q.
Identifiers: ClinVar variation 992555 (VCV000992555.3), dbSNP rs374122287, ClinGen allele CA3110877.